The following is an entry in ClinVar:

NM_001165963.4(SCN1A):c.2057A>G (p.Glu686Gly)

Gene: SCN1A (sodium voltage-gated channel alpha subunit 1; minus strand). Cytogenetic location: 2q24.3.
Variant type: single nucleotide variant.
Coding change: c.2057A>G on transcript NM_001165963.4 (MANE Select); coding-DNA position 2057, A replaced by G.
Protein change: p.Glu686Gly; replaces glutamic acid 686 with glycine.
Molecular consequence: missense variant. On other transcripts: 5 prime UTR variant (1), non-coding transcript variant (1).
Genome position (GRCh38, 1-based): chr2:166,042,411, T>C on the plus strand (A>G on the coding strand, the complement: SCN1A is on the minus strand). VCF-style: chr2-166042411-T-C. GRCh37 (hg19) VCF-style: chr2-166898921-T-C.
Other names: c.1973A>G, p.Glu658Gly (NM_001165964.3, NM_001353957.2, NM_001353958.2); c.2057A>G, p.Glu686Gly (NM_001202435.3, NM_001353948.2); c.2024A>G, p.Glu675Gly (NM_001353949.2, NM_001353950.2, NM_001353951.2 and 2 more transcripts); c.2021A>G, p.Glu674Gly (NM_001353954.2, NM_001353955.2); c.1970A>G, p.Glu657Gly (NM_001353960.2); c.-402A>G (NM_001353961.2); short protein forms E657G, E658G, E674G, E675G, E686G.
Identifiers: ClinVar variation 1307898 (VCV001307898.2), dbSNP rs374767754, ClinGen allele CA349066148.
Genomic context (GRCh38, chr2:166,042,411, plus strand): 5'-TCTTCTAGAAAGTCCATGGAAACGTGGAAAGAACTTGACCTTCTCTTTCTCATTTCAGTT[T>C]CAGTGGTTGTTCCCTGTAAAAAAAAATGCTAATGCATTAAACAATTAATTTGAGCAATAT-3'
Protein context (NP_001159435.1, residues 676-696): PATDDNGTTT[Glu686Gly]TEMRKRRSSS

ClinVar aggregate classification (germline): Uncertain significance (1 of 4 stars; one submission).

Submission:

GeneDx
Classification: Uncertain significance. Last evaluated: 2019-03-08. Review status: criteria provided, single submitter. Criteria: GeneDx Variant Classification Process June 2021. Collection method: clinical testing. Allele origin: germline. Affected: yes.
Comment: Not observed in large population cohorts (Lek et al., 2016); Missense variants in this gene are often considered pathogenic (Stenson et al., 2014); In silico analysis, which includes protein predictors and evolutionary conservation, supports a deleterious effect; Has not been previously published as pathogenic or benign to our knowledge; This substitution is predicted to be in the cytoplasmic loop between the first and second homologous domains